The following is an entry in ClinVar:

ClinVar aggregate classification (germline): Benign/Likely benign. Review status: criteria provided, multiple submitters, no conflicts (2 of 4 stars). 5 submissions from 5 submitters: Benign (1); Likely benign (4). Last evaluated 2026-05-15.

Conditions:
Cardiovascular phenotype. Identifiers: MedGen CN230736.
Hereditary cancer-predisposing syndrome. Also called: Neoplastic Syndromes, Hereditary; Tumor predisposition; Hereditary Cancer Syndrome; Hereditary neoplastic syndrome. Identifiers: Orphanet 140162, MedGen C0027672, MeSH D009386, MONDO:0015356.
Neurofibromatosis, type 1 (NF1). Also called: VON RECKLINGHAUSEN DISEASE; Peripheral type neurofibromatosis; NEUROFIBROMATOSIS, TYPE I, SOMATIC; Neurofibromatosis, type I. Identifiers: Orphanet 636, MedGen C0027831, MONDO:0018975, OMIM 162200. Disease mechanism: loss of function.

Allele frequency attached by ClinVar (database versions not stated): gnomAD exomes below 0.00001.
gnomAD v4.1: 2 of 1,613,908 alleles (0.00012%); highest among the groups gnomAD compares: Non-Finnish European, 0.00017%; no homozygotes.

Submissions (5):

Myriad Genetics, Inc.
Classification: Benign for Neurofibromatosis, type 1. Last evaluated: 2026-05-15. Review status: criteria provided, single submitter. Criteria: Myriad Autosomal Dominant, Autosomal Recessive and X-Linked Classification Criteria (2023). Collection method: clinical testing. Allele origin: unknown.
Comment: This variant is considered benign. This variant is a silent/synonymous amino acid change and it is not expected to impact splicing.

Labcorp Genetics (formerly Invitae), Labcorp
Classification: Likely benign for Neurofibromatosis, type 1. Last evaluated: 2025-11-01. Review status: criteria provided, single submitter. Criteria: Invitae Variant Classification Sherloc (09022015). Collection method: clinical testing. Allele origin: germline.

Blueprint Genetics
Classification: Likely benign. Last evaluated: 2023-03-29. Review status: criteria provided, single submitter. Criteria: ACMG Guidelines, 2015. Collection method: clinical testing. Allele origin: germline.

Genome-Nilou Lab
Classification: Likely benign for Neurofibromatosis, type 1. Last evaluated: 2022-03-15. Review status: criteria provided, single submitter. Criteria: ACMG Guidelines, 2015. Collection method: clinical testing. Allele origin: germline. Affected: no.

Ambry Genetics
Classification: Likely benign for Cardiovascular phenotype; Hereditary cancer-predisposing syndrome. Last evaluated: 2018-07-26. Review status: criteria provided, single submitter. Criteria: Ambry Variant Classification Scheme 2023. Collection method: clinical testing. Allele origin: germline.

NM_001042492.3(NF1):c.1329T>C (p.Phe443=)

Gene: NF1 (neurofibromin 1; plus strand). Cytogenetic location: 17q11.2.
Variant type: single nucleotide variant.
Coding change: c.1329T>C on transcript NM_001042492.3 (MANE Select); coding-DNA position 1329, T replaced by C.
Protein change: p.Phe443=; no amino-acid change (phenylalanine 443 retained).
Molecular consequence: synonymous variant.
Genome position (GRCh38, 1-based): chr17:31,206,308, T>C. VCF-style: chr17-31206308-T-C. GRCh37 (hg19) VCF-style: chr17-29533326-T-C.
Other names: c.1329T>C, p.Phe443= (NM_000267.4, NM_001128147.3).
Identifiers: ClinVar variation 818950 (VCV000818950.13), dbSNP rs1597688853, ClinGen allele CA499222467.